The following is an entry in ClinVar:

NC_000004.11:g.(107169464_107170077)_(107183370_107216250)del

Gene: TBCK (TBC1 domain containing kinase; minus strand). Cytogenetic location: 4q24.
Variant type: Deletion.
Identifiers: ClinVar variation 3233781 (VCV003233781.3).

ClinVar aggregate classification (germline): Pathogenic (1 of 4 stars; one submission).

Conditions:
Hypotonia, infantile, with psychomotor retardation and characteristic facies 3 (IHPRF3). Also called: TBCK-Related Neurodevelopmental Disorder. Identifiers: Orphanet 488632, MedGen C5567480, MONDO:0014823, OMIM 616900.

Submission:

Women's Health and Genetics/Laboratory Corporation of America, LabCorp
Classification: Pathogenic for Hypotonia, infantile, with psychomotor retardation and characteristic facies 3. Last evaluated: 2026-03-26. Review status: criteria provided, single submitter. Criteria: LabCorp Variant Classification Summary - May 2015. Collection method: clinical testing. Allele origin: germline.
Comment: Variant summary: The variant involves the deletion of exons 4-8 in the TBCK gene. A presumed nomenclature of c.(266+1_267-1)_(720+1_721-1)del has been designated for the purposes of this classification. This Copy Number Variant (CNV) is expected to alter the reading frame and predicted to result in a truncation or absence of the encoded protein due to nonsense mediated decay (NMD). Loss-of-function variants in this gene are known to be pathogenic. The variant was absent in 21688 control chromosomes. To our knowledge, no occurrence of similar copy number losses in individuals affected with TBCK-related conditions and no experimental evidence demonstrating their impact on protein function have been reported. ClinVar contains an entry for this variant (Variation ID: 1455366). Based on the evidence outlined above, the variant was classified as pathogenic.